The following is an entry in ClinVar:

ClinVar aggregate classification (germline): Uncertain significance (1 of 4 stars; one submission).

Conditions:
Infantile-onset X-linked spinal muscular atrophy. Also called: AMC, DISTAL, X-LINKED; Spinal Muscular Atrophy, X-Linked Infantile; Spinal muscular atrophy, X-linked 2; SPINAL MUSCULAR ATROPHY, X-LINKED LETHAL INFANTILE; ARTHROGRYPOSIS, X-LINKED, TYPE I. Identifiers: Orphanet 1145, MedGen C1844934, MONDO:0010532, OMIM 301830.

Submission:

Labcorp Genetics (formerly Invitae), Labcorp
Classification: Uncertain significance for Infantile-onset X-linked spinal muscular atrophy. Last evaluated: 2021-10-07. Review status: criteria provided, single submitter. Criteria: Invitae Variant Classification Sherloc (09022015). Collection method: clinical testing. Allele origin: germline.
Comment: In summary, the available evidence is currently insufficient to determine the role of this variant in disease. Therefore, it has been classified as a Variant of Uncertain Significance. This sequence change replaces glutamic acid with lysine at codon 352 of the UBA1 protein (p.Glu352Lys). The glutamic acid residue is moderately conserved and there is a small physicochemical difference between glutamic acid and lysine. This variant is not present in population databases (ExAC no frequency). This variant has not been reported in the literature in individuals affected with UBA1-related conditions. Algorithms developed to predict the effect of missense changes on protein structure and function output the following: SIFT: "Tolerated"; PolyPhen-2: "Benign"; Align-GVGD: "Class C0". The lysine amino acid residue is found in multiple mammalian species, which suggests that this missense change does not adversely affect protein function.

NM_003334.4(UBA1):c.1054G>A (p.Glu352Lys)

Gene: UBA1 (ubiquitin like modifier activating enzyme 1; plus strand). Cytogenetic location: Xp11.3.
Variant type: single nucleotide variant.
Coding change: c.1054G>A on transcript NM_003334.4 (MANE Select); coding-DNA position 1054, G replaced by A.
Protein change: p.Glu352Lys; replaces glutamic acid 352 with lysine.
Molecular consequence: missense variant.
Genome position (GRCh38, 1-based): chrX:47,202,502, G>A. VCF-style: chrX-47202502-G-A. GRCh37 (hg19) VCF-style: chrX-47061901-G-A.
Other names: c.1054G>A, p.Glu352Lys (NM_153280.3); short protein forms E352K.
Identifiers: ClinVar variation 1465907 (VCV001465907.6), dbSNP rs2147260047, ClinGen allele CA412795706.